The following is an entry in ClinVar:

NM_003072.5(SMARCA4):c.356-13C>G

Gene: SMARCA4 (SWI/SNF related BAF chromatin remodeling complex subunit ATPase 4; plus strand). Cytogenetic location: 19p13.2.
Variant type: single nucleotide variant.
Coding change: c.356-13C>G on transcript NM_003072.5 (MANE Select); 13 bases into the intron before coding-DNA position 356, C replaced by G.
Molecular consequence: intron variant.
Genome position (GRCh38, 1-based): chr19:10,986,176, C>G. VCF-style: chr19-10986176-C-G. GRCh37 (hg19) VCF-style: chr19-11096852-C-G.
Other names: c.356-13C>G (NM_001128844.3, NM_001128849.3, NM_001128847.4 and 6 more transcripts).
Identifiers: ClinVar variation 3641822 (VCV003641822.2).

ClinVar aggregate classification (germline): Uncertain significance (1 of 4 stars; one submission).

Conditions:
Rhabdoid tumor predisposition syndrome 2 (RTPS2). Identifiers: Orphanet 231108, Orphanet 69077, MedGen C2750074, MONDO:0013224, OMIM 613325.

Submission:

Labcorp Genetics (formerly Invitae), Labcorp
Classification: Uncertain significance for Rhabdoid tumor predisposition syndrome 2. Last evaluated: 2024-02-18. Review status: criteria provided, single submitter. Criteria: Invitae Variant Classification Sherloc (09022015). Collection method: clinical testing. Allele origin: germline.
Comment: This sequence change falls in intron 3 of the SMARCA4 gene. It does not directly change the encoded amino acid sequence of the SMARCA4 protein. This variant is not present in population databases (gnomAD no frequency). This variant has not been reported in the literature in individuals affected with SMARCA4-related conditions. Algorithms developed to predict the effect of sequence changes on RNA splicing suggest that this variant may disrupt the consensus splice site. In summary, the available evidence is currently insufficient to determine the role of this variant in disease. Therefore, it has been classified as a Variant of Uncertain Significance.